The following is an entry in ClinVar:

NM_001349.4(DARS1):c.-42C>G

Genes: DARS1 (aspartyl-tRNA synthetase 1; minus strand), DARS1-AS1 (DARS1 antisense RNA 1; plus strand). Cytogenetic location: 2q21.3.
Variant type: single nucleotide variant.
Coding change: c.-42C>G on transcript NM_001349.4 (MANE Select); 42 bases upstream of the start codon, C replaced by G.
Molecular consequence: 5 prime UTR variant. On other transcripts: non-coding transcript variant (2).
Genome position (GRCh38, 1-based): chr2:135,985,510, G>C on the plus strand (C>G on the coding strand, the complement: DARS1 is on the minus strand). VCF-style: chr2-135985510-G-C. GRCh37 (hg19) VCF-style: chr2-136743080-G-C.
Other names: c.-284C>G (NM_001293312.1).
Identifiers: ClinVar variation 381868 (VCV000381868.2), dbSNP rs11548872, ClinGen allele CA1889994.

ClinVar aggregate classification (germline): Benign. Review status: criteria provided, multiple submitters, no conflicts (2 of 4 stars). 2 submissions from 2 submitters: Benign (2). Last evaluated 2016-04-07.

Allele frequency attached by ClinVar (database versions not stated): ESP Exome Variant Server 0.00046; gnomAD 0.01112; TOPMed 0.01574; 1000 Genomes Project 0.03574.
gnomAD v4.1: 9,723 of 1,613,704 alleles (0.6%); highest among the groups gnomAD compares: East Asian, 17%; 737 homozygotes.

Submissions (2):

GeneDx
Classification: Benign. Last evaluated: 2016-04-07. Review status: criteria provided, single submitter. Criteria: GeneDx Variant Classification (06012015). Collection method: clinical testing. Allele origin: germline. Affected: yes.
Comment: This variant is considered likely benign or benign based on one or more of the following criteria: it is a conservative change, it occurs at a poorly conserved position in the protein, it is predicted to be benign by multiple in silico algorithms, and/or has population frequency not consistent with disease.

Breakthrough Genomics
Classification: Benign. Review status: criteria provided, single submitter. Criteria: ACMG Guidelines, 2015. Collection method: not provided. Allele origin: germline. Inheritance: Autosomal recessive inheritance. Affected: yes.